The following is an entry in ClinVar:

ClinVar aggregate classification (germline): Uncertain significance. Review status: criteria provided, multiple submitters, no conflicts (2 of 4 stars). 4 submissions from 4 submitters: Uncertain significance (4). Last evaluated 2025-12-06.

Conditions:
Familial cancer of breast. Also called: BREAST CANCER, FAMILIAL; Hereditary breast cancer; hereditary breast carcinoma. Identifiers: Orphanet 227535, MedGen C0346153, MONDO:0016419, OMIM 114480. Disease mechanism: loss of function.
Hereditary cancer-predisposing syndrome. Also called: Hereditary neoplastic syndrome; Neoplastic Syndromes, Hereditary; Hereditary Cancer Syndrome; Tumor predisposition. Identifiers: Orphanet 140162, MedGen C0027672, MeSH D009386, MONDO:0015356.

Allele frequency attached by ClinVar (database versions not stated): gnomAD exomes below 0.00001 and 0.00001; TOPMed below 0.00001; gnomAD 0.00001.
gnomAD v4.1: 4 of 1,614,084 alleles (0.00025%); highest among the groups gnomAD compares: African/African-American, 0.004%; no homozygotes.

Submissions (4):

Labcorp Genetics (formerly Invitae), Labcorp
Classification: Uncertain significance for Familial cancer of breast. Last evaluated: 2025-12-06. Review status: criteria provided, single submitter. Criteria: Invitae Variant Classification Sherloc (09022015). Collection method: clinical testing. Allele origin: germline.
Comment: This sequence change replaces leucine, which is neutral and non-polar, with histidine, which is basic and polar, at codon 775 of the BARD1 protein (p.Leu775His). This variant is present in population databases (no rsID available, gnomAD 0.007%). This variant has not been reported in the literature in individuals affected with BARD1-related conditions. ClinVar contains an entry for this variant (Variation ID: 530149). An algorithm developed to predict the effect of missense changes on protein structure and function (PolyPhen-2) suggests that this variant is likely to be disruptive. In summary, the available evidence is currently insufficient to determine the role of this variant in disease. Therefore, it has been classified as a Variant of Uncertain Significance.

Ambry Genetics
Classification: Uncertain significance for Hereditary cancer-predisposing syndrome. Last evaluated: 2025-09-19. Review status: criteria provided, single submitter. Criteria: Ambry Variant Classification Scheme 2023. Collection method: clinical testing. Allele origin: germline.
Comment: The p.L775H variant (also known as c.2324T>A), located in coding exon 11 of the BARD1 gene, results from a T to A substitution at nucleotide position 2324. The leucine at codon 775 is replaced by histidine, an amino acid with similar properties. This amino acid position is conserved. In addition, this alteration is predicted to be tolerated by in silico analysis. Since supporting evidence is limited at this time, the clinical significance of this alteration remains unclear.

GeneDx
Classification: Uncertain significance. Last evaluated: 2023-07-03. Review status: criteria provided, single submitter. Criteria: GeneDx Variant Classification Process June 2021. Collection method: clinical testing. Allele origin: germline. Affected: yes.
Comment: Not observed at significant frequency in large population cohorts (gnomAD); In silico analysis supports that this missense variant has a deleterious effect on protein structure/function; Has not been previously published as pathogenic or benign to our knowledge

Women's Health and Genetics/Laboratory Corporation of America, LabCorp
Classification: Uncertain significance. Last evaluated: 2022-03-18. Review status: criteria provided, single submitter. Criteria: LabCorp Variant Classification Summary - May 2015. Collection method: clinical testing. Allele origin: germline.

NM_000465.4(BARD1):c.2324T>A (p.Leu775His)

Gene: BARD1 (BRCA1 associated RING domain 1; minus strand). Cytogenetic location: 2q35.
Variant type: single nucleotide variant.
Coding change: c.2324T>A on transcript NM_000465.4 (MANE Select); coding-DNA position 2324, T replaced by A.
Protein change: p.Leu775His; replaces leucine 775 with histidine.
Molecular consequence: missense variant. On other transcripts: non-coding transcript variant (3).
Genome position (GRCh38, 1-based): chr2:214,728,686, A>T on the plus strand (T>A on the coding strand, the complement: BARD1 is on the minus strand). VCF-style: chr2-214728686-A-T. GRCh37 (hg19) VCF-style: chr2-215593410-A-T.
Other names: c.2267T>A, p.Leu756His (NM_001282543.2); c.971T>A, p.Leu324His (NM_001282545.2); c.914T>A, p.Leu305His (NM_001282548.2); c.785T>A, p.Leu262His (NM_001282549.2); c.2324T>A (NM_000465.2); short protein forms L775H, L262H, L324H, L756H, L305H.
Identifiers: ClinVar variation 530149 (VCV000530149.16), dbSNP rs907023461, ClinGen allele CA64792566.
Genomic context (GRCh38, chr2:214,728,686, plus strand): 5'-CTCTCACAAACCGTGCAAATTCAATTTGAAATGTTCATCTGGTATAATATTCAGCTGTCA[A>T]GAGGAAGCAACTCAAAGGACATCACACAGTCTATAAACCAGCTCGAAGGAGCCTTCCAGA-3'
Protein context (NP_000456.2, residues 765-777): DCVMSFELLP[Leu775His]DS